The following is an entry in ClinVar:

NM_006361.6(HOXB13):c.660_666dup (p.Tyr223fs)

Gene: HOXB13 (homeobox B13; minus strand). Cytogenetic location: 17q21.32.
Variant type: Duplication.
Coding change: c.660_666dup on transcript NM_006361.6 (MANE Select); coding-DNA positions 660 to 666, 7 bases duplicated (CATTCCG; older notation c.660_666dupCATTCCG).
Protein change: p.Tyr223fs; shifts the reading frame from tyrosine 223.
Molecular consequence: frameshift variant.
Genome position (GRCh38, 1-based): chr17:48,726,979-48,726,985, CGGAATG duplicated on the plus strand (CATTCCG on the coding strand, the reverse complement: HOXB13 is on the minus strand); duplicating any 7 consecutive bases within chr17:48,726,979-48,726,987 gives the same sequence; the c. name uses the placement nearest the transcript's 3' end. VCF-style (leftmost placement, unchanged base first): chr17-48726978-A-ACGGAATG. GRCh37 (hg19) VCF-style: chr17-46804340-A-ACGGAATG.
Other names: c.660_666dupCATTCCG (NM_006361.5); short protein forms Y223fs.
Identifiers: ClinVar variation 1037616 (VCV001037616.8), dbSNP rs2038218392, ClinGen allele CA2263241917.

ClinVar aggregate classification (germline): Uncertain significance. Review status: criteria provided, multiple submitters, no conflicts (2 of 4 stars). 2 submissions from 2 submitters: Uncertain significance (2). Last evaluated 2026-08-19.

Conditions:
Hereditary cancer-predisposing syndrome. Also called: Tumor predisposition; Hereditary Cancer Syndrome; Hereditary neoplastic syndrome; Neoplastic Syndromes, Hereditary. Identifiers: Orphanet 140162, MedGen C0027672, MeSH D009386, MONDO:0015356.

Submissions (2):

Ambry Genetics
Classification: Uncertain significance for Hereditary cancer-predisposing syndrome. Last evaluated: 2026-08-19. Review status: criteria provided, single submitter. Criteria: Ambry Variant Classification Scheme 2023. Collection method: clinical testing. Allele origin: germline.
Comment: The c.660_666dupCATTCCG variant, located in coding exon 2 of the HOXB13 gene, results from a duplication of CATTCCG at nucleotide position 660, causing a translational frameshift with a predicted alternate stop codon (p.Y223Hfs*18). This variant occurs at the 3' terminus of the gene and is not expected to trigger nonsense-mediated mRNA decay. Based on the available evidence, the clinical significance of this variant remains unclear.

Labcorp Genetics (formerly Invitae), Labcorp
Classification: Uncertain significance. Last evaluated: 2020-08-03. Review status: criteria provided, single submitter. Criteria: Invitae Variant Classification Sherloc (09022015). Collection method: clinical testing. Allele origin: germline.
Comment: In summary, the available evidence is currently insufficient to determine the role of this variant in disease. Therefore, it has been classified as a Variant of Uncertain Significance. Experimental studies and prediction algorithms are not available or were not evaluated, and the functional significance of this variant is currently unknown. This variant has not been reported in the literature in individuals with HOXB13-related conditions. This variant is not present in population databases (ExAC no frequency). This sequence change results in a premature translational stop signal in the HOXB13 gene (p.Tyr223Hisfs*18). While this is not anticipated to result in nonsense mediated decay, it is expected to disrupt the last 62 amino acids of the HOXB13 protein.